The following is an entry in ClinVar:

ClinVar aggregate classification (germline): Likely benign (0 of 4 stars; one submission).

Conditions:
LEPR-related disorder. Also called: LEPR-related condition; LEPR-related disorders.

Submission:

PreventionGenetics, part of Exact Sciences
Classification: Likely benign for LEPR-related condition. Last evaluated: 2023-05-08. Review status: no assertion criteria provided. Collection method: clinical testing. Allele origin: germline.
Comment: This variant is classified as likely benign based on ACMG/AMP sequence variant interpretation guidelines (Richards et al. 2015 PMID: 25741868, with internal and published modifications).

NM_002303.6(LEPR):c.1500C>T (p.Phe500=)

Gene: LEPR (leptin receptor; plus strand). Cytogenetic location: 1p31.3.
Variant type: single nucleotide variant.
Coding change: c.1500C>T on transcript NM_002303.6 (MANE Select); coding-DNA position 1500, C replaced by T.
Protein change: p.Phe500=; no amino-acid change (phenylalanine 500 retained).
Molecular consequence: synonymous variant.
Genome position (GRCh38, 1-based): chr1:65,605,134, C>T. VCF-style: chr1-65605134-C-T. GRCh37 (hg19) VCF-style: chr1-66070817-C-T.
Other names: c.1500C>T, p.Phe500= (NM_001003679.3, NM_001003680.3, NM_001198687.2 and 2 more transcripts).
Identifiers: ClinVar variation 3356817 (VCV003356817.1).